The following is an entry in ClinVar:

ClinVar aggregate classification (germline): Likely benign (1 of 4 stars; one submission).

Conditions:
FDXR-related disorder. Also called: FDXR-related disorders; FDXR-related condition.

Submission:

PreventionGenetics, part of Exact Sciences
Classification: Likely benign for FDXR-related condition. Last evaluated: 2026-07-23. Review status: criteria provided, single submitter. Criteria: ACMG Guidelines, 2015. Collection method: clinical testing. Allele origin: germline.
Comment: This variant is classified as likely benign based on ACMG/AMP sequence variant interpretation guidelines (Richards et al. 2015 PMID: 25741868, with internal and published modifications).

NM_024417.5(FDXR):c.1101C>T (p.Val367=)

Gene: FDXR (ferredoxin reductase; minus strand). Cytogenetic location: 17q25.1.
Variant type: single nucleotide variant.
Coding change: c.1101C>T on transcript NM_024417.5 (MANE Select); coding-DNA position 1101, C replaced by T.
Protein change: p.Val367=; no amino-acid change (valine 367 retained).
Molecular consequence: synonymous variant. On other transcripts: non-coding transcript variant (1).
Genome position (GRCh38, 1-based): chr17:74,863,969, G>A on the plus strand (C>T on the coding strand, the complement: FDXR is on the minus strand). VCF-style: chr17-74863969-G-A. GRCh37 (hg19) VCF-style: chr17-72860091-G-A.
Other names: c.1230C>T, p.Val410= (NM_001258012.4); c.1194C>T, p.Val398= (NM_001258013.4); c.1077C>T, p.Val359= (NM_001258014.4); c.981C>T, p.Val327= (NM_001258015.3); c.945C>T, p.Val315= (NM_001258016.3); c.1119C>T, p.Val373= (NM_004110.6).
Identifiers: ClinVar variation 4978205 (VCV004978205.1).